The following is an entry in ClinVar:

ClinVar aggregate classification (germline): Pathogenic. Review status: criteria provided, multiple submitters, no conflicts (2 of 4 stars). 2 submissions from 2 submitters: Pathogenic (2). Last evaluated 2024-07-30.

Conditions:
Senior-Loken syndrome 8 (SLSN8). Identifiers: Orphanet 3156, MedGen C4225376, MONDO:0014579, OMIM 616307.
Asphyxiating thoracic dystrophy 5 (SRTD5). Also called: SHORT-RIB THORACIC DYSPLASIA 5 WITH OR WITHOUT POLYDACTYLY; SHORT-RIB THORACIC DYSPLASIA 5 WITHOUT POLYDACTYLY. Identifiers: Orphanet 474, MedGen C3280598, MONDO:0013717, OMIM 614376.

Submissions (2):

Dasa
Classification: Pathogenic. Last evaluated: 2024-07-30. Review status: criteria provided, single submitter. Criteria: DASA Assertion Criteria. Collection method: clinical testing. Allele origin: germline.
Comment: NM_025132.4(WDR19):c.1777+1del affects a canonical splice site and is predicted to disrupt normal RNA splicing, leading to loss of normal protein function. Loss-of-function is an established mechanism of disease for this gene. Based on the available data, this variant is classified as pathogenic.

Labcorp Genetics (formerly Invitae), Labcorp
Classification: Pathogenic for Senior-Loken syndrome 8; Asphyxiating thoracic dystrophy 5. Last evaluated: 2024-05-08. Review status: criteria provided, single submitter. Criteria: Invitae Variant Classification Sherloc (09022015). Collection method: clinical testing. Allele origin: germline.
Comment: This sequence change creates a premature translational stop signal (Splice site) in the WDR19 gene. It is expected to result in an absent or disrupted protein product. Loss-of-function variants in WDR19 are known to be pathogenic (PMID: 22019273, 23559409, 23683095, 26275793, 27241786, 29068549). This variant is not present in population databases (gnomAD no frequency). This variant has not been reported in the literature in individuals affected with WDR19-related conditions. This variant is also known as c.1777+1del (Splice site). Algorithms developed to predict the effect of sequence changes on RNA splicing suggest that this variant may disrupt the consensus splice site. For these reasons, this variant has been classified as Pathogenic.

Literature cited by the submitters: PubMed 22019273 (cited by Labcorp Genetics (formerly Invitae), Labcorp); PubMed 23559409 (cited by Labcorp Genetics (formerly Invitae), Labcorp); PubMed 23683095 (cited by Labcorp Genetics (formerly Invitae), Labcorp); PubMed 26275793 (cited by Labcorp Genetics (formerly Invitae), Labcorp); PubMed 27241786 (cited by Labcorp Genetics (formerly Invitae), Labcorp); PubMed 29068549 (cited by Labcorp Genetics (formerly Invitae), Labcorp).

NM_025132.4(WDR19):c.1777+1del

Gene: WDR19 (WD repeat domain 19; plus strand). Cytogenetic location: 4p14.
Variant type: Deletion.
Coding change: c.1777+1del on transcript NM_025132.4 (MANE Select); the canonical splice donor site of the intron after coding-DNA position 1777, one base deleted (G; older notation c.1777+1delG).
Molecular consequence: splice donor variant.
Genome position (GRCh38, 1-based): chr4:39,228,358, G deleted; the last of 2 consecutive G bases (chr4:39,228,357-39,228,358); deleting either gives the same sequence. VCF-style (leftmost placement, unchanged base first): chr4-39228356-AG-A. GRCh37 (hg19) VCF-style: chr4-39229976-AG-A.
Other names: c.1297+1del (NM_001317924.2).
Identifiers: ClinVar variation 2937672 (VCV002937672.4), dbSNP rs2475185859, ClinGen allele CA913106698.
Genomic context (GRCh38, chr4:39,228,356, plus strand): 5'-ATTTATTGCTTATGATGATGATAAGGTGTACACTTATGTCTTTCACAAGGACACTATACA[AG>A]GTACTAAACCCCTTTTGTGTATATTCGCTGACAGATGAATTTCCCATTGCAGTAAAATTA-3'